The following is an entry in ClinVar:

NM_005026.5(PIK3CD):c.2214C>A (p.Ser738Arg)

Gene: PIK3CD (phosphatidylinositol-4,5-bisphosphate 3-kinase catalytic subunit delta; plus strand). Cytogenetic location: 1p36.22.
Variant type: single nucleotide variant.
Coding change: c.2214C>A on transcript NM_005026.5 (MANE Select); coding-DNA position 2214, C replaced by A.
Protein change: p.Ser738Arg; replaces serine 738 with arginine.
Molecular consequence: missense variant.
Genome position (GRCh38, 1-based): chr1:9,722,133, C>A. VCF-style: chr1-9722133-C-A. GRCh37 (hg19) VCF-style: chr1-9782191-C-A.
Other names: c.2214C>A (LRG_191t1); c.2211C>A, p.Ser737Arg (NM_001350234.2); c.2127C>A, p.Ser709Arg (NM_001350235.1); short protein forms S738R, S709R, S737R.
Identifiers: ClinVar variation 541083 (VCV000541083.13), dbSNP rs755934302, ClinGen allele CA577460.

ClinVar aggregate classification (germline): Uncertain significance. Review status: criteria provided, multiple submitters, no conflicts (2 of 4 stars). 2 submissions from 2 submitters: Uncertain significance (2). Last evaluated 2025-06-17.

Conditions:
Inborn genetic diseases. Identifiers: MedGen C0950123, MeSH D030342.
Immunodeficiency 14 (IMD14A). Also called: IMMUNODEFICIENCY 14A WITH LYMPHOPROLIFERATION, AUTOSOMAL DOMINANT; Activated PI3K Delta Syndrome Type 1 (APDS1); p110-DELTA-ACTIVATING MUTATION CAUSING SENESCENT T CELLS, LYMPHADENOPATHY, AND IMMUNODEFICIENCY; ACTIVATED PI3K-DELTA SYNDROME 1. Identifiers: Orphanet 397596, Orphanet 693661, MedGen C5907821, MONDO:0014222, OMIM 615513.

Allele frequency attached by ClinVar (database versions not stated): ExAC 0.00003; gnomAD exomes 0.00003; TOPMed 0.00003; gnomAD 0.00002.
gnomAD v4.1: 9 of 1,612,972 alleles (0.00056%); highest among the groups gnomAD compares: Admixed American, 0.01%; no homozygotes.

Submissions (2):

Labcorp Genetics (formerly Invitae), Labcorp
Classification: Uncertain significance for Activated PI3K-delta syndrome. Last evaluated: 2025-06-17. Review status: criteria provided, single submitter. Criteria: Invitae Variant Classification Sherloc (09022015). Collection method: clinical testing. Allele origin: germline.
Comment: This sequence change replaces serine, which is neutral and polar, with arginine, which is basic and polar, at codon 738 of the PIK3CD protein (p.Ser738Arg). This variant is present in population databases (rs755934302, gnomAD 0.02%). This variant has not been reported in the literature in individuals affected with PIK3CD-related conditions. ClinVar contains an entry for this variant (Variation ID: 541083). Invitae Evidence Modeling of protein sequence and biophysical properties (such as structural, functional, and spatial information, amino acid conservation, physicochemical variation, residue mobility, and thermodynamic stability) indicates that this missense variant is not expected to disrupt PIK3CD protein function with a negative predictive value of 80%. In summary, the available evidence is currently insufficient to determine the role of this variant in disease. Therefore, it has been classified as a Variant of Uncertain Significance.

Ambry Genetics
Classification: Uncertain significance for Inborn genetic diseases. Last evaluated: 2023-04-27. Review status: criteria provided, single submitter. Criteria: Ambry Variant Classification Scheme 2023. Collection method: clinical testing. Allele origin: germline.